The following is an entry in ClinVar:

ClinVar aggregate classification (germline): Likely pathogenic (1 of 4 stars; one submission).

Submission:

Labcorp Genetics (formerly Invitae), Labcorp
Classification: Likely pathogenic. Last evaluated: 2021-06-06. Review status: criteria provided, single submitter. Criteria: Invitae Variant Classification Sherloc (09022015). Collection method: clinical testing. Allele origin: germline.
Comment: In summary, the currently available evidence indicates that the variant is pathogenic, but additional data are needed to prove that conclusively. Therefore, this variant has been classified as Likely Pathogenic. Experimental studies and prediction algorithms are not available or were not evaluated, and the effect of this variant on mRNA splicing is currently unknown. This variant has not been reported in the literature in individuals with COL18A1-related conditions. This variant is not present in population databases (ExAC no frequency). This sequence change affects a donor splice site in intron 24 of the COL18A1 gene. It is expected to disrupt RNA splicing. Variants that disrupt the donor or acceptor splice site typically lead to a loss of protein function (PMID: 16199547), and loss-of-function variants in COL18A1 are known to be pathogenic (PMID: 12415512, 25456301).

Literature cited by the submitters: PubMed 16199547; PubMed 12415512; PubMed 25456301.

NM_001379500.1(COL18A1):c.2214+1_2214+10del

Gene: COL18A1 (collagen type XVIII alpha 1 chain; plus strand). Cytogenetic location: 21q22.3.
Variant type: Deletion.
Coding change: c.2214+1_2214+10del on transcript NM_001379500.1 (MANE Select); the canonical splice donor site of the intron after coding-DNA position 2214 through 10 bases into the intron after coding-DNA position 2214, 10 bases deleted (GTGAGTAACC; older notation c.2214+1_2214+10delGTGAGTAACC).
Molecular consequence: splice donor variant.
Genome position (GRCh38, 1-based): chr21:45,492,714-45,492,723, GTGAGTAACC deleted; deleting any 10 consecutive bases within chr21:45,492,712-45,492,723 gives the same sequence; the c. name uses the placement nearest the transcript's 3' end. VCF-style (leftmost placement, unchanged base first): chr21-45492711-CCCGTGAGTAA-C. GRCh37 (hg19) VCF-style: chr21-46912625-CCCGTGAGTAA-C.
Other names: c.3459+1_3459+10del (NM_130444.3); c.2754+1_2754+10del (NM_030582.4).
Identifiers: ClinVar variation 1477286 (VCV001477286.6), dbSNP rs2145991515, ClinGen allele CA2573157595.